The following is an entry in ClinVar:

ClinVar aggregate classification (germline): Benign. Review status: criteria provided, multiple submitters, no conflicts (2 of 4 stars). 2 submissions from 2 submitters: Benign (2). Last evaluated 2025-11-23.

Conditions:
Hyperthyroxinemia, familial dysalbuminemic (FDAH). Also called: EUTHYROID HYPERTHYROXINEMIA 1. Identifiers: MedGen C0342185, MONDO:0014448, OMIM 615999.

Allele frequency attached by ClinVar (database versions not stated): gnomAD exomes 0.00014 and 0.00040; ExAC 0.00043; 1000 Genomes Project 30x 0.00078; 1000 Genomes Project 0.00080; ESP Exome Variant Server 0.00146; gnomAD 0.00169 and 0.00187; TOPMed 0.00196.
gnomAD v4.1: 475 of 1,614,182 alleles (0.029%); highest among the groups gnomAD compares: African/African-American, 0.56%; 2 homozygotes.

Submissions (2):

Labcorp Genetics (formerly Invitae), Labcorp
Classification: Benign. Last evaluated: 2025-11-23. Review status: criteria provided, single submitter. Criteria: Invitae Variant Classification Sherloc (09022015). Collection method: clinical testing. Allele origin: germline.

Illumina Laboratory Services, Illumina
Classification: Benign for Hyperthyroxinemia, familial dysalbuminemic. Last evaluated: 2018-01-12. Review status: criteria provided, single submitter. Criteria: ICSL Variant Classification Criteria 13 December 2019. Collection method: clinical testing. Allele origin: germline.
Comment: This variant was observed in the ICSL laboratory as part of a predisposition screen in an ostensibly healthy population. It had not been previously curated by ICSL or reported in the Human Gene Mutation Database (HGMD: prior to June 1st, 2018), and was therefore a candidate for classification through an automated scoring system. Utilizing variant allele frequency, disease prevalence and penetrance estimates, and inheritance mode, an automated score was calculated to assess if this variant is too frequent to cause the disease. Based on the score and internal cut-off values, a variant classified as benign is not then subjected to further curation. The score for this variant resulted in a classification of benign for this disease.

NM_000477.7(ALB):c.891T>C (p.Ser297=)

Gene: ALB (albumin; plus strand). Cytogenetic location: 4q13.3.
Variant type: single nucleotide variant.
Coding change: c.891T>C on transcript NM_000477.7 (MANE Select); coding-DNA position 891, T replaced by C.
Protein change: p.Ser297=; no amino-acid change (serine 297 retained).
Molecular consequence: synonymous variant.
Genome position (GRCh38, 1-based): chr4:73,413,467, T>C. VCF-style: chr4-73413467-T-C. GRCh37 (hg19) VCF-style: chr4-74279184-T-C.
Identifiers: ClinVar variation 349623 (VCV000349623.9), dbSNP rs56167251, ClinGen allele CA2959487.
Genomic context (GRCh38, chr4:73,413,467, plus strand): 5'-AACTTACTTATAGGCGGACCTTGCCAAGTATATCTGTGAAAATCAAGATTCGATCTCCAG[T>C]AAACTGAAGGAATGCTGTGAAAAACCTCTGTTGGAAAAATCCCACTGCATTGCCGAAGTG-3'
Protein context (NP_000468.1, residues 287-307): YICENQDSIS[Ser297=]KLKECCEKPL